The following is an entry in ClinVar:

NM_006494.4(ERF):c.1586G>T (p.Arg529Leu)

Gene: ERF (ETS2 repressor factor; minus strand). Cytogenetic location: 19q13.2.
Variant type: single nucleotide variant.
Coding change: c.1586G>T on transcript NM_006494.4 (MANE Select); coding-DNA position 1586, G replaced by T.
Protein change: p.Arg529Leu; replaces arginine 529 with leucine.
Molecular consequence: missense variant.
Genome position (GRCh38, 1-based): chr19:42,248,526, C>A on the plus strand (G>T on the coding strand, the complement: ERF is on the minus strand). VCF-style: chr19-42248526-C-A. GRCh37 (hg19) VCF-style: chr19-42752678-C-A.
Other names: c.1361G>T, p.Arg454Leu (NM_001301035.2, NM_001308402.2, NM_001312656.2 and 1 more transcripts); c.779G>T, p.Arg260Leu (NM_001440421.1); short protein forms R260L, R454L, R529L.
Identifiers: ClinVar variation 4976219 (VCV004976219.1).
Genomic context (GRCh38, chr19:42,248,526, plus strand): 5'-CAGGAGTCTCGGTGCTCCAGGGAGAGCTGGGCCGTGGCATGCTGGAGGTCAGAGCTCACC[C>A]GCCTTGGGGTGAGGGGCCCCCCAGCCTCCCCAGGCCCCTCCCCACGCACCTTCTTGTCCT-3'
Protein context (NP_006485.2, residues 519-539): GEAGGPLTPR[Arg529Leu]VSSDLQHATA

ClinVar aggregate classification (germline): Uncertain significance (1 of 4 stars; one submission).

Submission:

GeneDx
Classification: Uncertain significance. Last evaluated: 2026-02-12. Review status: criteria provided, single submitter. Criteria: GeneDx Variant Classification Process June 2021. Collection method: clinical testing. Allele origin: germline.
Comment: Not observed at significant frequency in large population cohorts (gnomAD); In silico analysis suggests that this missense variant does not alter protein structure/function; Has not been previously published as pathogenic or benign to our knowledge